The following is an entry in ClinVar:

ClinVar aggregate classification (germline): Uncertain significance (1 of 4 stars; one submission).

Conditions:
RASopathy. Also called: rasopathies; Noonan spectrum disorder. Identifiers: Orphanet 536391, MedGen C5555857, MONDO:0021060.

Allele frequency attached by ClinVar (database versions not stated): ExAC 0.00001; ESP Exome Variant Server 0.00008.
gnomAD v4.1: 21 of 1,610,312 alleles (0.0013%); highest among the groups gnomAD compares: Non-Finnish European, 0.0016%; no homozygotes.

Submission:

Labcorp Genetics (formerly Invitae), Labcorp
Classification: Uncertain significance for RASopathy. Last evaluated: 2024-04-05. Review status: criteria provided, single submitter. Criteria: Invitae Variant Classification Sherloc (09022015). Collection method: clinical testing. Allele origin: germline.
Comment: This sequence change falls in intron 3 of the NRAS gene. It does not directly change the encoded amino acid sequence of the NRAS protein. It affects a nucleotide within the consensus splice site. This variant is present in population databases (rs371909522, gnomAD 0.0009%). This variant has not been reported in the literature in individuals affected with NRAS-related conditions. ClinVar contains an entry for this variant (Variation ID: 2059335). Variants that disrupt the consensus splice site are a relatively common cause of aberrant splicing (PMID: 17576681, 9536098). Algorithms developed to predict the effect of sequence changes on RNA splicing suggest that this variant is not likely to affect RNA splicing. In summary, the available evidence is currently insufficient to determine the role of this variant in disease. Therefore, it has been classified as a Variant of Uncertain Significance.

Literature cited by the submitters: PubMed 17576681; PubMed 9536098.

NM_002524.5(NRAS):c.290+4C>T

Gene: NRAS (NRAS proto-oncogene, GTPase; minus strand). Cytogenetic location: 1p13.2.
Variant type: single nucleotide variant.
Coding change: c.290+4C>T on transcript NM_002524.5 (MANE Select); 4 bases into the intron after coding-DNA position 290, C replaced by T.
Molecular consequence: intron variant.
Genome position (GRCh38, 1-based): chr1:114,713,796, G>A on the plus strand (C>T on the coding strand, the complement: NRAS is on the minus strand). VCF-style: chr1-114713796-G-A. GRCh37 (hg19) VCF-style: chr1-115256417-G-A.
Identifiers: ClinVar variation 2059335 (VCV002059335.4), dbSNP rs371909522, ClinGen allele CA1020744.